The following is an entry in ClinVar:

ClinVar aggregate classification (germline): Uncertain significance (1 of 4 stars; one submission).

Conditions:
TUB-related disorder. Also called: TUB-related condition.

Submission:

PreventionGenetics, part of Exact Sciences
Classification: Uncertain significance for TUB-related condition. Last evaluated: 2026-09-21. Review status: criteria provided, single submitter. Criteria: ACMG Guidelines, 2015. Collection method: clinical testing. Allele origin: germline.
Comment: The TUB c.450G>C variant is predicted to result in the amino acid substitution p.Gln150His. To our knowledge, this variant has not been reported in the literature or in a large population database (gnomAD), indicating this variant is rare. At this time, the clinical significance of this variant is uncertain due to the absence of conclusive functional and genetic evidence.

NM_177972.3(TUB):c.285G>C (p.Gln95His)

Genes: RIC3 (RIC3 acetylcholine receptor chaperone; minus strand), TUB (TUB bipartite transcription factor; plus strand). Cytogenetic location: 11p15.4.
Variant type: single nucleotide variant.
Coding change: c.285G>C on transcript NM_177972.3 (MANE Select); coding-DNA position 285, G replaced by C.
Protein change: p.Gln95His; replaces glutamine 95 with histidine.
Molecular consequence: missense variant. On other transcripts: non-coding transcript variant (1).
Genome position (GRCh38, 1-based): chr11:8,094,077, G>C. VCF-style: chr11-8094077-G-C. GRCh37 (hg19) VCF-style: chr11-8115624-G-C.
Other names: c.303G>C, p.Gln101His (NM_001440538.1, NM_001440539.1, NM_001440540.1 and 1 more transcripts); c.285G>C, p.Gln95His (NM_001440541.1); c.450G>C, p.Gln150His (NM_003320.5); short protein forms Q150H, Q101H, Q95H.
Identifiers: ClinVar variation 4984200 (VCV004984200.1).